The following is an entry in ClinVar:

ClinVar aggregate classification (germline): Uncertain significance (1 of 4 stars; one submission).

Conditions:
Autoimmune lymphoproliferative syndrome type 2A (ALPS2A). Also called: CASP10-Related Autoimmune Lymphoproliferative Syndrome; AUTOIMMUNE LYMPHOPROLIFERATIVE SYNDROME, TYPE IIA; Autoimmune lymphoproliferative syndrome type 2. Identifiers: Orphanet 3261, MedGen C1858968, MONDO:0011383, OMIM 603909.

Allele frequency attached by ClinVar (database versions not stated): ExAC 0.00001; gnomAD exomes 0.00001.
gnomAD v4.1: 18 of 1,576,266 alleles (0.0011%); highest among the groups gnomAD compares: South Asian, 0.018%; no homozygotes.

Submission:

Labcorp Genetics (formerly Invitae), Labcorp
Classification: Uncertain significance for Autoimmune lymphoproliferative syndrome type 2A. Last evaluated: 2024-08-09. Review status: criteria provided, single submitter. Criteria: Invitae Variant Classification Sherloc (09022015). Collection method: clinical testing. Allele origin: germline.
Comment: This sequence change falls in intron 6 of the CASP10 gene. It does not directly change the encoded amino acid sequence of the CASP10 protein. It affects a nucleotide within the consensus splice site. This variant is present in population databases (rs753628774, gnomAD 0.004%). This variant has not been reported in the literature in individuals affected with CASP10-related conditions. ClinVar contains an entry for this variant (Variation ID: 2077653). Variants that disrupt the consensus splice site are a relatively common cause of aberrant splicing (PMID: 17576681, 9536098). Algorithms developed to predict the effect of sequence changes on RNA splicing suggest that this variant is not likely to affect RNA splicing. In summary, the available evidence is currently insufficient to determine the role of this variant in disease. Therefore, it has been classified as a Variant of Uncertain Significance.

Literature cited by the submitters: PubMed 17576681; PubMed 9536098.

NM_032977.4(CASP10):c.722-3T>C

Gene: CASP10 (caspase 10; plus strand). Cytogenetic location: 2q33.1.
Variant type: single nucleotide variant.
Coding change: c.722-3T>C on transcript NM_032977.4 (MANE Select); 3 bases into the intron before coding-DNA position 722, T replaced by C.
Molecular consequence: intron variant.
Genome position (GRCh38, 1-based): chr2:201,205,879, T>C. VCF-style: chr2-201205879-T-C. GRCh37 (hg19) VCF-style: chr2-202070602-T-C.
Other names: c.722-3T>C (NM_032974.5); c.685-2196T>C (NM_001206542.2, NM_001230.5); c.721+2113T>C (NM_032976.4, NM_001206524.2).
Identifiers: ClinVar variation 2077653 (VCV002077653.4), dbSNP rs753628774, ClinGen allele CA2053032.